The following is an entry in ClinVar:

ClinVar aggregate classification (germline): Likely benign (1 of 4 stars; one submission).

Allele frequency attached by ClinVar (database versions not stated): ExAC 0.00002; gnomAD exomes 0.00003; TOPMed 0.00003.
gnomAD v4.1: 41 of 1,607,764 alleles (0.0026%); highest among the groups gnomAD compares: Non-Finnish European, 0.0035%; no homozygotes.

Submission:

CeGaT Center for Human Genetics Tuebingen
Classification: Likely benign. Last evaluated: 2023-07-01. Review status: criteria provided, single submitter. Criteria: CeGaT Center For Human Genetics Tuebingen Variant Classification Criteria Version 2. Collection method: clinical testing. Allele origin: germline. Affected: yes. Observed: 1 variant allele.
Comment: SPEF2: BP4

NM_024867.4(SPEF2):c.834C>T (p.Thr278=)

Gene: SPEF2 (sperm flagellar and cilia associated 2; plus strand). Cytogenetic location: 5p13.2.
Variant type: single nucleotide variant.
Coding change: c.834C>T on transcript NM_024867.4 (MANE Select); coding-DNA position 834, C replaced by T.
Protein change: p.Thr278=; no amino-acid change (threonine 278 retained).
Molecular consequence: synonymous variant.
Genome position (GRCh38, 1-based): chr5:35,654,582, C>T. VCF-style: chr5-35654582-C-T. GRCh37 (hg19) VCF-style: chr5-35654684-C-T.
Other names: c.834C>T, p.Thr278= (NM_144722.4).
Identifiers: ClinVar variation 2655396 (VCV002655396.24), dbSNP rs771745625, ClinGen allele CA3230289.